The following is an entry in ClinVar:

NM_001080453.3(INTS1):c.795C>T (p.Ser265=)

Gene: INTS1 (integrator complex subunit 1; minus strand). Cytogenetic location: 7p22.3.
Variant type: single nucleotide variant.
Coding change: c.795C>T on transcript NM_001080453.3 (MANE Select); coding-DNA position 795, C replaced by T.
Protein change: p.Ser265=; no amino-acid change (serine 265 retained).
Molecular consequence: synonymous variant.
Genome position (GRCh38, 1-based): chr7:1,499,522, G>A on the plus strand (C>T on the coding strand, the complement: INTS1 is on the minus strand). VCF-style: chr7-1499522-G-A. GRCh37 (hg19) VCF-style: chr7-1539158-G-A.
Other names: c.795C>T (NM_001080453.2).
Identifiers: ClinVar variation 1695180 (VCV001695180.33), dbSNP rs181410589, ClinGen allele CA4120641.

ClinVar aggregate classification (germline): Likely benign. Review status: criteria provided, multiple submitters, no conflicts (2 of 4 stars). 3 submissions from 3 submitters: Likely benign (2). 1 of the submissions does not count toward it. Last evaluated 2026-04-01.

Conditions:
INTS1-related disorder. Also called: INTS1-related condition.

Allele frequency attached by ClinVar (database versions not stated): 1000 Genomes Project 0.00040; 1000 Genomes Project 30x 0.00047; gnomAD 0.00111 and 0.00112; ESP Exome Variant Server 0.00114; TOPMed 0.00131; gnomAD exomes 0.00149 and 0.00160; ExAC 0.00153.
gnomAD v4.1: 2,526 of 1,612,160 alleles (0.16%); highest among the groups gnomAD compares: Middle Eastern, 0.31%; 10 homozygotes.

Submissions (3):

CeGaT Center for Human Genetics Tuebingen
Classification: Likely benign. Last evaluated: 2026-04-01. Review status: criteria provided, single submitter. Criteria: CeGaT Center For Human Genetics Tuebingen Variant Classification Criteria Version 2. Collection method: clinical testing. Allele origin: germline. Affected: yes. Observed: 18 variant alleles.
Comment: INTS1: BP4, BP7

Blueprint Genetics
Classification: Likely benign. Last evaluated: 2024-11-27. Review status: criteria provided, single submitter. Criteria: ACMG Guidelines, 2015. Collection method: clinical testing. Allele origin: germline.

PreventionGenetics, part of Exact Sciences
Classification: Likely benign for INTS1-related condition. Last evaluated: 2019-02-20. Review status: no assertion criteria provided. Collection method: clinical testing. Allele origin: germline. Not counted in ClinVar's aggregate classification.
Comment: This variant is classified as likely benign based on ACMG/AMP sequence variant interpretation guidelines (Richards et al. 2015 PMID: 25741868, with internal and published modifications).